The following is an entry in ClinVar:

NM_033305.3(VPS13A):c.4326T>A (p.Tyr1442Ter)

Gene: VPS13A (vacuolar protein sorting 13 homolog A; plus strand). Cytogenetic location: 9q21.2.
Variant type: single nucleotide variant.
Coding change: c.4326T>A on transcript NM_033305.3 (MANE Select); coding-DNA position 4326, T replaced by A.
Protein change: p.Tyr1442Ter; replaces tyrosine 1442 with a stop codon.
Molecular consequence: nonsense.
Genome position (GRCh38, 1-based): chr9:77,314,578, T>A. VCF-style: chr9-77314578-T-A. GRCh37 (hg19) VCF-style: chr9-79929494-T-A.
Other names: c.4209T>A, p.Tyr1403Ter (NM_001018037.2); c.4326T>A, p.Tyr1442Ter (NM_001018038.3, NM_015186.4); short protein forms Y1403*, Y1442*.
Identifiers: ClinVar variation 2169538 (VCV002169538.9), dbSNP rs2537979837, ClinGen allele CA373855267.

ClinVar aggregate classification (germline): Pathogenic. Review status: criteria provided, multiple submitters, no conflicts (2 of 4 stars). 2 submissions from 2 submitters: Pathogenic (2). Last evaluated 2025-12-01.

Submissions (2):

CeGaT Center for Human Genetics Tuebingen
Classification: Pathogenic. Last evaluated: 2025-12-01. Review status: criteria provided, single submitter. Criteria: CeGaT Center For Human Genetics Tuebingen Variant Classification Criteria Version 2. Collection method: clinical testing. Allele origin: germline. Affected: yes. Observed: 1 variant allele.
Comment: VPS13A: PVS1, PM2, PM3

Labcorp Genetics (formerly Invitae), Labcorp
Classification: Pathogenic. Last evaluated: 2022-05-26. Review status: criteria provided, single submitter. Criteria: Invitae Variant Classification Sherloc (09022015). Collection method: clinical testing. Allele origin: germline.
Comment: This sequence change creates a premature translational stop signal (p.Tyr1442*) in the VPS13A gene. It is expected to result in an absent or disrupted protein product. Loss-of-function variants in VPS13A are known to be pathogenic (PMID: 12404112, 21598378). This variant is not present in population databases (gnomAD no frequency). This premature translational stop signal has been observed in individual(s) with choreoacanthocytosis (PMID: 30687222). It has also been observed to segregate with disease in related individuals. For these reasons, this variant has been classified as Pathogenic.

Literature cited by the submitters: PubMed 12404112 (cited by Labcorp Genetics (formerly Invitae), Labcorp); PubMed 21598378 (cited by Labcorp Genetics (formerly Invitae), Labcorp); PubMed 30687222 (cited by Labcorp Genetics (formerly Invitae), Labcorp).